The following is an entry in ClinVar:

ClinVar aggregate classification (germline): Uncertain significance (1 of 4 stars; one submission).

Conditions:
Pancreatic adenocarcinoma. Identifiers: MedGen C0281361, MONDO:0006047, HP:0006725.

Submission:

Labcorp Genetics (formerly Invitae), Labcorp
Classification: Uncertain significance for Pancreatic adenocarcinoma. Last evaluated: 2024-04-21. Review status: criteria provided, single submitter. Criteria: Invitae Variant Classification Sherloc (09022015). Collection method: clinical testing. Allele origin: germline.
Comment: This variant, c.258_263dup, results in the insertion of 2 amino acid(s) of the PALLD protein (p.Ser87_Pro88dup), but otherwise preserves the integrity of the reading frame. This variant is present in population databases (no rsID available, gnomAD 0.006%). This variant has not been reported in the literature in individuals affected with PALLD-related conditions. In summary, the available evidence is currently insufficient to determine the role of this variant in disease. Therefore, it has been classified as a Variant of Uncertain Significance.

NM_001166108.2(PALLD):c.1965-12773_1965-12768dup

Gene: PALLD (palladin, cytoskeletal associated protein; plus strand). Cytogenetic location: 4q32.3.
Variant type: Duplication.
Coding change: c.1965-12773_1965-12768dup on transcript NM_001166108.2 (MANE Select); 12773 bases into the intron before coding-DNA position 1965 through 12768 bases into the intron before coding-DNA position 1965, 6 bases duplicated (GTCGCC; older notation c.1965-12773_1965-12768dupGTCGCC).
Molecular consequence: intron variant.
Genome position (GRCh38, 1-based): chr4:168,878,149-168,878,154, GTCGCC duplicated; duplicating any 6 consecutive bases within chr4:168,878,144-168,878,154 gives the same sequence; the c. name uses the placement nearest the transcript's 3' end. VCF-style (leftmost placement, unchanged base first): chr4-168878143-C-CTCGCCG. GRCh37 (hg19) VCF-style: chr4-169799294-C-CTCGCCG.
Other names: c.1965-12773_1965-12768dup (NM_016081.4); c.819-12773_819-12768dup (NM_001166109.2); c.-157-12773_-157-12768dup (NM_001367570.1, NM_001367568.1, NM_001367567.1 and 1 more transcripts); c.258_263dup, p.Pro88_Pro89insSerPro (NM_001166110.2).
Identifiers: ClinVar variation 3708945 (VCV003708945.2).